The following is an entry in ClinVar:

ClinVar aggregate classification (germline): Uncertain significance. Review status: criteria provided, multiple submitters, no conflicts (2 of 4 stars). 2 submissions from 2 submitters: Uncertain significance (2). Last evaluated 2025-08-13.

Conditions:
Inborn genetic diseases. Identifiers: MedGen C0950123, MeSH D030342.

Allele frequency attached by ClinVar (database versions not stated): gnomAD 0.00001; ESP Exome Variant Server 0.00008.
gnomAD v4.1: 6 of 1,613,330 alleles (0.00037%); highest among the groups gnomAD compares: Non-Finnish European, 0.00051%; no homozygotes.

Submissions (2):

Ambry Genetics
Classification: Uncertain significance for Inborn genetic diseases. Last evaluated: 2025-08-13. Review status: criteria provided, single submitter. Criteria: Ambry Variant Classification Scheme 2023. Collection method: clinical testing. Allele origin: germline.

Labcorp Genetics (formerly Invitae), Labcorp
Classification: Uncertain significance. Last evaluated: 2022-07-19. Review status: criteria provided, single submitter. Criteria: Invitae Variant Classification Sherloc (09022015). Collection method: clinical testing. Allele origin: germline.
Comment: In summary, the available evidence is currently insufficient to determine the role of this variant in disease. Therefore, it has been classified as a Variant of Uncertain Significance. Algorithms developed to predict the effect of missense changes on protein structure and function (SIFT, PolyPhen-2, Align-GVGD) all suggest that this variant is likely to be disruptive. ClinVar contains an entry for this variant (Variation ID: 1439156). This variant has not been reported in the literature in individuals affected with PKDCC-related conditions. This variant is present in population databases (rs377686010, gnomAD 0.002%). This sequence change replaces valine, which is neutral and non-polar, with leucine, which is neutral and non-polar, at codon 285 of the PKDCC protein (p.Val285Leu).

NM_138370.3(PKDCC):c.853G>T (p.Val285Leu)

Gene: PKDCC (protein kinase domain containing, cytoplasmic; plus strand). Cytogenetic location: 2p21.
Variant type: single nucleotide variant.
Coding change: c.853G>T on transcript NM_138370.3 (MANE Select); coding-DNA position 853, G replaced by T.
Protein change: p.Val285Leu; replaces valine 285 with leucine.
Molecular consequence: missense variant.
Genome position (GRCh38, 1-based): chr2:42,054,126, G>T. VCF-style: chr2-42054126-G-T. GRCh37 (hg19) VCF-style: chr2-42281266-G-T.
Other names: c.853G>T (NM_138370.2); short protein forms V285L.
Identifiers: ClinVar variation 1439156 (VCV001439156.7), dbSNP rs377686010, ClinGen allele CA1628043.